The following is an entry in ClinVar:

ClinVar aggregate classification (germline): Pathogenic (1 of 4 stars; one submission).

Conditions:
Hereditary breast ovarian cancer syndrome. Also called: Breast and ovarian cancer; BRCA1- and BRCA2-Associated Hereditary Breast and Ovarian Cancer; Hereditary breast and ovarian cancer syndrome; Hereditary breast and/or ovarian cancer syndrome; Hereditary breast and ovarian cancer; Hereditary breast and ovarian cancer syndrome (HBOC). Identifiers: Orphanet 145, MedGen C0677776, MeSH D061325, MONDO:0003582. Disease mechanism: loss of function.

Submission:

Labcorp Genetics (formerly Invitae), Labcorp
Classification: Pathogenic for Hereditary breast ovarian cancer syndrome. Last evaluated: 2023-10-13. Review status: criteria provided, single submitter. Criteria: Invitae Variant Classification Sherloc (09022015). Collection method: clinical testing. Allele origin: germline.
Comment: This variant is a gross deletion of the genomic region encompassing exon(s) 19 of the BRCA2 gene. This variant would be expected to be in-frame, preserving the integrity of the reading frame. A similar copy number variant has been observed in individual(s) with breast cancer (PMID: 23479189). This variant disrupts a region of the BRCA2 protein in which other variant(s) (p.Gly2793Arg) have been determined to be pathogenic (PMID: 12442275, 15889636, 16030099, 23108138, 23233716, 25777348). This suggests that this is a clinically significant region of the protein, and that variants that disrupt it are likely to be disease-causing. For these reasons, this variant has been classified as Pathogenic.

Literature cited by the submitters: PubMed 23479189; PubMed 12442275; PubMed 15889636; PubMed 16030099; PubMed 23108138; PubMed 23233716; PubMed 25777348.

NC_000013.10:g.(?_32944519)_(32944714_?)del

Gene: BRCA2 (BRCA2 DNA repair associated; plus strand). Cytogenetic location: 13q13.1.
Variant type: Deletion.
Identifiers: ClinVar variation 1068327 (VCV001068327.10).